The following is an entry in ClinVar:

NM_005591.4(MRE11):c.895del (p.Ile299fs)

Gene: MRE11 (MRE11 double strand break repair nuclease; minus strand). Cytogenetic location: 11q21.
Variant type: Deletion.
Coding change: c.895del on transcript NM_005591.4 (MANE Select); coding-DNA position 895, one base deleted (A; older notation c.895delA).
Protein change: p.Ile299fs; shifts the reading frame from isoleucine 299.
Molecular consequence: frameshift variant.
Genome position (GRCh38, 1-based): chr11:94,470,593, T deleted on the plus strand (A on the coding strand, the reverse complement: MRE11 is on the minus strand); the first of 4 consecutive T bases (chr11:94,470,593-94,470,596); deleting any one gives the same sequence. VCF-style (leftmost placement, unchanged base first): chr11-94470592-AT-A. GRCh37 (hg19) VCF-style: chr11-94203758-AT-A.
Other names: c.895del, p.Ile299fs (NM_001330347.2, NM_005590.4); short protein forms I299fs.
Identifiers: ClinVar variation 822843 (VCV000822843.4), dbSNP rs1591692886, ClinGen allele CA915948784.

ClinVar aggregate classification (germline): Pathogenic (1 of 4 stars; one submission).

Conditions:
Hereditary cancer-predisposing syndrome. Also called: Tumor predisposition; Hereditary Cancer Syndrome; Neoplastic Syndromes, Hereditary; Hereditary neoplastic syndrome. Identifiers: Orphanet 140162, MedGen C0027672, MeSH D009386, MONDO:0015356.

Submission:

Ambry Genetics
Classification: Pathogenic for Hereditary cancer-predisposing syndrome. Last evaluated: 2019-08-30. Review status: criteria provided, single submitter. Criteria: Ambry Variant Classification Scheme 2023. Collection method: clinical testing. Allele origin: germline.
Comment: The c.895delA pathogenic mutation, located in coding exon 8 of the MRE11A gene, results from a deletion of one nucleotide at nucleotide position 895, causing a translational frameshift with a predicted alternate stop codon (p.I299Ffs*16). This alteration is expected to result in loss of function by premature protein truncation or nonsense-mediated mRNA decay. As such, this alteration is interpreted as a disease-causing mutation.